The following is an entry in ClinVar:

NM_001035.3(RYR2):c.7535T>A (p.Met2512Lys)

Gene: RYR2 (ryanodine receptor 2; plus strand). Cytogenetic location: 1q43.
Variant type: single nucleotide variant.
Coding change: c.7535T>A on transcript NM_001035.3 (MANE Select); coding-DNA position 7535, T replaced by A.
Protein change: p.Met2512Lys; replaces methionine 2512 with lysine.
Molecular consequence: missense variant.
Genome position (GRCh38, 1-based): chr1:237,649,899, T>A. VCF-style: chr1-237649899-T-A. GRCh37 (hg19) VCF-style: chr1-237813199-T-A.
Other names: short protein forms M2512K.
Identifiers: ClinVar variation 847752 (VCV000847752.11), dbSNP rs778838507, ClinGen allele CA345399028.

ClinVar aggregate classification (germline): Uncertain significance (1 of 4 stars; one submission).

Conditions:
Catecholaminergic polymorphic ventricular tachycardia 1. Also called: VENTRICULAR TACHYCARDIA, CATECHOLAMINERGIC POLYMORPHIC, 1, WITH OR WITHOUT ATRIAL DYSFUNCTION AND/OR DILATED CARDIOMYOPATHY; VENTRICULAR TACHYCARDIA, STRESS-INDUCED POLYMORPHIC 1; RYR2-Related Catecholaminergic Polymorphic Ventricular Tachycardia. Identifiers: Orphanet 3286, MedGen C1631597, MONDO:0011484, OMIM 604772.

Submission:

Labcorp Genetics (formerly Invitae), Labcorp
Classification: Uncertain significance for Catecholaminergic polymorphic ventricular tachycardia 1. Last evaluated: 2019-05-16. Review status: criteria provided, single submitter. Criteria: Invitae Variant Classification Sherloc (09022015). Collection method: clinical testing. Allele origin: germline.
Comment: This variant has not been reported in the literature in individuals with RYR2-related conditions. This variant is not present in population databases (ExAC no frequency). This sequence change replaces methionine with lysine at codon 2512 of the RYR2 protein (p.Met2512Lys). The methionine residue is highly conserved and there is a moderate physicochemical difference between methionine and lysine. Algorithms developed to predict the effect of missense changes on protein structure and function (SIFT, PolyPhen-2, Align-GVGD) all suggest that this variant is likely to be disruptive, but these predictions have not been confirmed by published functional studies and their clinical significance is uncertain. In summary, the available evidence is currently insufficient to determine the role of this variant in disease. Therefore, it has been classified as a Variant of Uncertain Significance.